The following is an entry in ClinVar:

NM_016207.4(CPSF3):c.1995C>G (p.Leu665=)

Gene: CPSF3 (cleavage and polyadenylation specific factor 3; plus strand). Cytogenetic location: 2p25.1.
Variant type: single nucleotide variant.
Coding change: c.1995C>G on transcript NM_016207.4 (MANE Select); coding-DNA position 1995, C replaced by G.
Protein change: p.Leu665=; no amino-acid change (leucine 665 retained).
Molecular consequence: synonymous variant.
Genome position (GRCh38, 1-based): chr2:9,472,957, C>G. VCF-style: chr2-9472957-C-G. GRCh37 (hg19) VCF-style: chr2-9613086-C-G.
Other names: c.1884C>G, p.Leu628= (NM_001321833.2, NM_001321834.2); c.1578C>G, p.Leu526= (NM_001321835.2); c.2007C>G, p.Leu669= (NM_001321836.2).
Identifiers: ClinVar variation 2650665 (VCV002650665.24), dbSNP rs1293859616, ClinGen allele CA424782547.

ClinVar aggregate classification (germline): Likely benign (1 of 4 stars; one submission).

Allele frequency attached by ClinVar (database versions not stated): gnomAD exomes below 0.00001; gnomAD 0.00001; TOPMed 0.00003.
gnomAD v4.1: 7 of 1,613,924 alleles (0.00043%); highest among the groups gnomAD compares: African/African-American, 0.004%; no homozygotes.

Submission:

CeGaT Center for Human Genetics Tuebingen
Classification: Likely benign. Last evaluated: 2022-03-01. Review status: criteria provided, single submitter. Criteria: CeGaT Center For Human Genetics Tuebingen Variant Classification Criteria Version 2. Collection method: clinical testing. Allele origin: germline. Affected: yes. Observed: 1 variant allele.
Comment: CPSF3: BP4, BP7